The following is an entry in ClinVar:

NM_002645.4(PIK3C2A):c.1327G>A (p.Val443Met)

Gene: PIK3C2A (phosphatidylinositol-4-phosphate 3-kinase catalytic subunit type 2 alpha; minus strand). Cytogenetic location: 11p15.1.
Variant type: single nucleotide variant.
Coding change: c.1327G>A on transcript NM_002645.4 (MANE Select); coding-DNA position 1327, G replaced by A.
Protein change: p.Val443Met; replaces valine 443 with methionine.
Molecular consequence: missense variant.
Genome position (GRCh38, 1-based): chr11:17,150,498, C>T on the plus strand (G>A on the coding strand, the complement: PIK3C2A is on the minus strand). VCF-style: chr11-17150498-C-T. GRCh37 (hg19) VCF-style: chr11-17172045-C-T.
Other names: c.1327G>A, p.Val443Met (NM_001321378.2, NM_001386870.1); c.187G>A, p.Val63Met (NM_001321380.2); short protein forms V443M, V63M.
Identifiers: ClinVar variation 2116057 (VCV002116057.4), dbSNP rs1850390792, ClinGen allele CA379767148.
Genomic context (GRCh38, chr11:17,150,498, plus strand): 5'-TATTTTAAACATTTCCCCCTAACAGAGCAAAACGAGAGGCTTGAGGAACCATAAACCTAC[C>T]ATCACACGTAAAAGTAACTGGTAGCTGAAATCCTTCAATGTCAATGGAGACCTTCACACT-3'
Protein context (NP_002636.2, residues 433-453): FQLPVTFTCD[Val443Met]SSTVEIIIMQ

ClinVar aggregate classification (germline): Uncertain significance (1 of 4 stars; one submission).

Submission:

Labcorp Genetics (formerly Invitae), Labcorp
Classification: Uncertain significance. Last evaluated: 2024-10-22. Review status: criteria provided, single submitter. Criteria: Invitae Variant Classification Sherloc (09022015). Collection method: clinical testing. Allele origin: germline.
Comment: This sequence change replaces valine, which is neutral and non-polar, with methionine, which is neutral and non-polar, at codon 443 of the PIK3C2A protein (p.Val443Met). This variant also falls at the last nucleotide of exon 4, which is part of the consensus splice site for this exon. This variant is not present in population databases (gnomAD no frequency). This variant has not been reported in the literature in individuals affected with PIK3C2A-related conditions. ClinVar contains an entry for this variant (Variation ID: 2116057). An algorithm developed to predict the effect of missense changes on protein structure and function (PolyPhen-2) suggests that this variant is likely to be disruptive. Variants that disrupt the consensus splice site are a relatively common cause of aberrant splicing (PMID: 17576681, 9536098). Algorithms developed to predict the effect of sequence changes on RNA splicing suggest that this variant may disrupt the consensus splice site. In summary, the available evidence is currently insufficient to determine the role of this variant in disease. Therefore, it has been classified as a Variant of Uncertain Significance.

Literature cited by the submitters: PubMed 17576681; PubMed 9536098.